The following is an entry in ClinVar:

NM_001854.4(COL11A1):c.3429G>C (p.Lys1143Asn)

Gene: COL11A1 (collagen type XI alpha 1 chain; minus strand). Cytogenetic location: 1p21.1.
Variant type: single nucleotide variant.
Coding change: c.3429G>C on transcript NM_001854.4 (MANE Select); coding-DNA position 3429, G replaced by C.
Protein change: p.Lys1143Asn; replaces lysine 1143 with asparagine.
Molecular consequence: missense variant. On other transcripts: non-coding transcript variant (1).
Genome position (GRCh38, 1-based): chr1:102,939,044, C>G on the plus strand (G>C on the coding strand, the complement: COL11A1 is on the minus strand). VCF-style: chr1-102939044-C-G. GRCh37 (hg19) VCF-style: chr1-103404600-C-G.
Other names: c.3081G>C, p.Lys1027Asn (NM_001168249.1, NM_080630.4); c.3312G>C, p.Lys1104Asn (NM_001190709.2); c.3465G>C, p.Lys1155Asn (NM_080629.3); short protein forms K1027N, K1104N, K1143N, K1155N.
Identifiers: ClinVar variation 1800503 (VCV001800503.4), dbSNP rs2524725533, ClinGen allele CA341169118.

ClinVar aggregate classification (germline): Uncertain significance. Review status: criteria provided, multiple submitters, no conflicts (2 of 4 stars). 2 submissions from 2 submitters: Uncertain significance (2). Last evaluated 2023-07-12.

Allele frequency attached by ClinVar (database versions not stated): gnomAD exomes below 0.00001.
gnomAD v4.1: 3 of 1,613,724 alleles (0.00019%); highest among the groups gnomAD compares: Non-Finnish European, 0.00025%; no homozygotes.

Submissions (2):

Labcorp Genetics (formerly Invitae), Labcorp
Classification: Uncertain significance. Last evaluated: 2023-07-12. Review status: criteria provided, single submitter. Criteria: Invitae Variant Classification Sherloc (09022015). Collection method: clinical testing. Allele origin: germline.
Comment: This variant is not present in population databases (gnomAD no frequency). This sequence change replaces lysine, which is basic and polar, with asparagine, which is neutral and polar, at codon 1143 of the COL11A1 protein (p.Lys1143Asn). This variant has not been reported in the literature in individuals affected with COL11A1-related conditions. ClinVar contains an entry for this variant (Variation ID: 1800503). Advanced modeling of protein sequence and biophysical properties (such as structural, functional, and spatial information, amino acid conservation, physicochemical variation, residue mobility, and thermodynamic stability) performed at Invitae indicates that this missense variant is not expected to disrupt COL11A1 protein function. In summary, the available evidence is currently insufficient to determine the role of this variant in disease. Therefore, it has been classified as a Variant of Uncertain Significance.

GeneDx
Classification: Uncertain significance. Last evaluated: 2022-05-20. Review status: criteria provided, single submitter. Criteria: GeneDx Variant Classification Process June 2021. Collection method: clinical testing. Allele origin: germline. Affected: yes.
Comment: Not observed at significant frequency in large population cohorts (gnomAD); In silico analysis supports that this missense variant has a deleterious effect on protein structure/function; Occurs in the triple helical domain at the Y position in the canonical Gly-X-Y repeat; although this variant may have an effect on normal protein folding and function, missense substitution at the Y position is not a common mechanism of disease (HGMD); Has not been previously published as pathogenic or benign to our knowledge